The following is an entry in ClinVar:

NM_020987.5(ANK3):c.6778G>A (p.Gly2260Ser)

Genes: ANK3 (ankyrin 3; minus strand), LOC130003862 (ATAC-STARR-seq lymphoblastoid active region 3393; plus strand). Cytogenetic location: 10q21.2.
Variant type: single nucleotide variant.
Coding change: c.6778G>A on transcript NM_020987.5 (MANE Select); coding-DNA position 6778, G replaced by A.
Protein change: p.Gly2260Ser; replaces glycine 2260 with serine.
Molecular consequence: missense variant. On other transcripts: intron variant (4).
Genome position (GRCh38, 1-based): chr10:60,074,103, C>T on the plus strand (G>A on the coding strand, the complement: ANK3 is on the minus strand). VCF-style: chr10-60074103-C-T. GRCh37 (hg19) VCF-style: chr10-61833861-C-T.
Other names: c.6778G>A (NM_020987.3); c.4388-6094G>A (NM_001204403.2); c.4409-6094G>A (NM_001204404.2); c.4406-6094G>A (NM_001320874.2); c.1808-6094G>A (NM_001149.4); short protein forms G2260S.
Identifiers: ClinVar variation 2080937 (VCV002080937.5), dbSNP rs192587828, ClinGen allele CA5511814.

ClinVar aggregate classification (germline): Conflicting classifications of pathogenicity. Review status: criteria provided, conflicting classifications (1 of 4 stars). 2 submissions from 2 submitters: Uncertain significance (1); Likely benign (1). Last evaluated 2025-03-21.

Conditions:
Inborn genetic diseases. Identifiers: MedGen C0950123, MeSH D030342.

Allele frequency attached by ClinVar (database versions not stated): ExAC 0.00012; gnomAD 0.00020; 1000 Genomes Project 0.00040; 1000 Genomes Project 30x 0.00047.
gnomAD v4.1: 68 of 1,613,962 alleles (0.0042%); highest among the groups gnomAD compares: African/African-American, 0.048%; no homozygotes.

Submissions (2):

Labcorp Genetics (formerly Invitae), Labcorp
Classification: Uncertain significance. Last evaluated: 2025-03-21. Review status: criteria provided, single submitter. Criteria: Invitae Variant Classification Sherloc (09022015). Collection method: clinical testing. Allele origin: germline.
Comment: This sequence change replaces glycine, which is neutral and non-polar, with serine, which is neutral and polar, at codon 2260 of the ANK3 protein (p.Gly2260Ser). This variant is present in population databases (rs192587828, gnomAD 0.07%). This variant has not been reported in the literature in individuals affected with ANK3-related conditions. ClinVar contains an entry for this variant (Variation ID: 2080937). Invitae Evidence Modeling of protein sequence and biophysical properties (such as structural, functional, and spatial information, amino acid conservation, physicochemical variation, residue mobility, and thermodynamic stability) indicates that this missense variant is not expected to disrupt ANK3 protein function with a negative predictive value of 80%. In summary, the available evidence is currently insufficient to determine the role of this variant in disease. Therefore, it has been classified as a Variant of Uncertain Significance.

Ambry Genetics
Classification: Likely benign for Inborn genetic diseases. Last evaluated: 2024-06-11. Review status: criteria provided, single submitter. Criteria: Ambry Variant Classification Scheme 2023. Collection method: clinical testing. Allele origin: germline.